The following is an entry in ClinVar:

ClinVar aggregate classification (germline): Uncertain significance (1 of 4 stars; one submission).

Conditions:
Pseudohypoaldosteronism type 2C (PHA2C). Also called: Pseudohypoaldosteronism Type IIC. Identifiers: Orphanet 757, Orphanet 88940, MedGen C1840391, MONDO:0013778, OMIM 614492.
Neuropathy, hereditary sensory and autonomic, type 2A (HSAN2A). Also called: ACROOSTEOLYSIS, GIACCAI TYPE; ACROOSTEOLYSIS, NEUROGENIC; MORVAN DISEASE; NEUROPATHY, CONGENITAL SENSORY; NEUROPATHY, HEREDITARY SENSORY RADICULAR, AUTOSOMAL RECESSIVE; NEUROPATHY, HEREDITARY SENSORY, TYPE IIA. Identifiers: Orphanet 970, MedGen C2752089, MONDO:0024309, OMIM 201300.

gnomAD v4.1: 2 of 1,535,942 alleles (0.00013%); highest among the groups gnomAD compares: Non-Finnish European, 0.00017%; no homozygotes.

Submission:

Labcorp Genetics (formerly Invitae), Labcorp
Classification: Uncertain significance for Neuropathy, hereditary sensory and autonomic, type 2A; Pseudohypoaldosteronism type 2C. Last evaluated: 2020-10-05. Review status: criteria provided, single submitter. Criteria: Invitae Variant Classification Sherloc (09022015). Collection method: clinical testing. Allele origin: germline.
Comment: This variant has not been reported in the literature in individuals with WNK1-related conditions. This sequence change replaces arginine with leucine at codon 784 of the WNK1 protein (p.Arg784Leu). The arginine residue is weakly conserved and there is a moderate physicochemical difference between arginine and leucine. The frequency data for this variant in the population databases is considered unreliable, as metrics indicate insufficient coverage at this position in the ExAC database. Advanced modeling of protein sequence and biophysical properties (such as structural, functional, and spatial information, amino acid conservation, physicochemical variation, residue mobility, and thermodynamic stability) performed at Invitae indicates that this missense variant is not expected to disrupt WNK1 protein function. In summary, the available evidence is currently insufficient to determine the role of this variant in disease. Therefore, it has been classified as a Variant of Uncertain Significance.

NM_213655.5(WNK1):c.2351G>T (p.Arg784Leu)

Gene: WNK1 (WNK lysine deficient protein kinase 1; plus strand). Cytogenetic location: 12p13.33.
Variant type: single nucleotide variant.
Coding change: c.2351G>T on transcript NM_213655.5 (MANE Plus Clinical); coding-DNA position 2351, G replaced by T.
Protein change: p.Arg784Leu; replaces arginine 784 with leucine.
Molecular consequence: missense variant. On other transcripts: intron variant (3).
Genome position (GRCh38, 1-based): chr12:865,321, G>T. VCF-style: chr12-865321-G-T. GRCh37 (hg19) VCF-style: chr12-974487-G-T.
Other names: c.2140-2545G>T (NM_001184985.2); c.2139+3051G>T (NM_018979.4, NM_014823.3); short protein forms R784L.
Identifiers: ClinVar variation 1010849 (VCV001010849.8), dbSNP rs769105175, ClinGen allele CA383337865.